The following is an entry in ClinVar:

NM_004429.5(EFNB1):c.880A>G (p.Thr294Ala)

Gene: EFNB1 (ephrin B1; plus strand). Cytogenetic location: Xq13.1.
Variant type: single nucleotide variant.
Coding change: c.880A>G on transcript NM_004429.5 (MANE Select); coding-DNA position 880, A replaced by G.
Protein change: p.Thr294Ala; replaces threonine 294 with alanine.
Molecular consequence: missense variant.
Genome position (GRCh38, 1-based): chrX:68,840,493, A>G. VCF-style: chrX-68840493-A-G. GRCh37 (hg19) VCF-style: chrX-68060336-A-G.
Other names: c.880A>G (NM_004429.4); short protein forms T294A.
Identifiers: ClinVar variation 2907651 (VCV002907651.4), dbSNP rs376456176, ClinGen allele CA10438249.

ClinVar aggregate classification (germline): Uncertain significance. Review status: criteria provided, multiple submitters, no conflicts (2 of 4 stars). 2 submissions from 2 submitters: Uncertain significance (2). Last evaluated 2024-04-04.

Conditions:
Inborn genetic diseases. Identifiers: MedGen C0950123, MeSH D030342.

Allele frequency attached by ClinVar (database versions not stated): ExAC 0.00003; gnomAD exomes 0.00003; gnomAD 0.00004; TOPMed 0.00008; ESP Exome Variant Server 0.00009.
gnomAD v4.1: 34 of 1,209,988 alleles (0.0028%); highest among the groups gnomAD compares: Admixed American, 0.0044%; no homozygotes.

Submissions (2):

Ambry Genetics
Classification: Uncertain significance for Inborn genetic diseases. Last evaluated: 2024-04-04. Review status: criteria provided, single submitter. Criteria: Ambry Variant Classification Scheme 2023. Collection method: clinical testing. Allele origin: germline.

Labcorp Genetics (formerly Invitae), Labcorp
Classification: Uncertain significance. Last evaluated: 2023-03-09. Review status: criteria provided, single submitter. Criteria: Invitae Variant Classification Sherloc (09022015). Collection method: clinical testing. Allele origin: germline.
Comment: This sequence change replaces threonine, which is neutral and polar, with alanine, which is neutral and non-polar, at codon 294 of the EFNB1 protein (p.Thr294Ala). This variant is present in population databases (rs376456176, gnomAD 0.01%). This variant has not been reported in the literature in individuals affected with EFNB1-related conditions. Advanced modeling of protein sequence and biophysical properties (such as structural, functional, and spatial information, amino acid conservation, physicochemical variation, residue mobility, and thermodynamic stability) performed at Invitae indicates that this missense variant is not expected to disrupt EFNB1 protein function. In summary, the available evidence is currently insufficient to determine the role of this variant in disease. Therefore, it has been classified as a Variant of Uncertain Significance.